The following is an entry in ClinVar:

NM_004329.3(BMPR1A):c.148T>G (p.Leu50Val)

Gene: BMPR1A (bone morphogenetic protein receptor type 1A; plus strand). Cytogenetic location: 10q23.2.
Variant type: single nucleotide variant.
Coding change: c.148T>G on transcript NM_004329.3 (MANE Select); coding-DNA position 148, T replaced by G.
Protein change: p.Leu50Val; replaces leucine 50 with valine.
Molecular consequence: missense variant.
Genome position (GRCh38, 1-based): chr10:86,890,142, T>G. VCF-style: chr10-86890142-T-G. GRCh37 (hg19) VCF-style: chr10-88649899-T-G.
Other names: c.148T>G, p.Leu50Val (NM_001406559.1, NM_001406560.1, NM_001406561.1 and 23 more transcripts); c.64T>G, p.Leu22Val (NM_001406584.1, NM_001406585.1, NM_001406586.1 and 2 more transcripts); short protein forms L50V, L22V.
Identifiers: ClinVar variation 1773761 (VCV001773761.6), dbSNP rs964544915, ClinGen allele CA377446676.

ClinVar aggregate classification (germline): Uncertain significance. Review status: criteria provided, multiple submitters, no conflicts (2 of 4 stars). 2 submissions from 2 submitters: Uncertain significance (2). Last evaluated 2026-06-26.

Conditions:
Juvenile polyposis syndrome (JPS). Identifiers: Orphanet 2929, MedGen C0345893, MONDO:0017380, OMIM 174900.
Hereditary cancer-predisposing syndrome. Also called: Hereditary Cancer Syndrome; Hereditary neoplastic syndrome; Neoplastic Syndromes, Hereditary; Tumor predisposition. Identifiers: Orphanet 140162, MedGen C0027672, MeSH D009386, MONDO:0015356.

Submissions (2):

Ambry Genetics
Classification: Uncertain significance for Hereditary cancer-predisposing syndrome. Last evaluated: 2026-06-26. Review status: criteria provided, single submitter. Criteria: Ambry Variant Classification Scheme 2023. Collection method: clinical testing. Allele origin: germline.
Comment: The p.L50V variant (also known as c.148T>G), located in coding exon 2 of the BMPR1A gene, results from a T to G substitution at nucleotide position 148. The leucine at codon 50 is replaced by valine, an amino acid with highly similar properties. This amino acid position is conserved. In addition, this alteration is predicted to be tolerated by in silico analysis. Based on the available evidence, the clinical significance of this variant remains unclear.

Labcorp Genetics (formerly Invitae), Labcorp
Classification: Uncertain significance for Juvenile polyposis syndrome. Last evaluated: 2023-06-27. Review status: criteria provided, single submitter. Criteria: Invitae Variant Classification Sherloc (09022015). Collection method: clinical testing. Allele origin: germline.
Comment: This variant has not been reported in the literature in individuals affected with BMPR1A-related conditions. In summary, the available evidence is currently insufficient to determine the role of this variant in disease. Therefore, it has been classified as a Variant of Uncertain Significance. Advanced modeling of protein sequence and biophysical properties (such as structural, functional, and spatial information, amino acid conservation, physicochemical variation, residue mobility, and thermodynamic stability) performed at Invitae indicates that this missense variant is not expected to disrupt BMPR1A protein function. ClinVar contains an entry for this variant (Variation ID: 1773761). This variant is not present in population databases (gnomAD no frequency). This sequence change replaces leucine, which is neutral and non-polar, with valine, which is neutral and non-polar, at codon 50 of the BMPR1A protein (p.Leu50Val).